The following is an entry in ClinVar:

NM_001244710.2(GFPT1):c.714dup (p.Arg239fs)

Gene: GFPT1 (glutamine--fructose-6-phosphate transaminase 1; minus strand). Cytogenetic location: 2p13.3.
Variant type: Duplication.
Coding change: c.714dup on transcript NM_001244710.2 (MANE Select); coding-DNA position 714, one base duplicated (A; older notation c.714dupA).
Protein change: p.Arg239fs; shifts the reading frame from arginine 239.
Molecular consequence: frameshift variant. On other transcripts: intron variant (1).
Genome position (GRCh38, 1-based): chr2:69,354,284, T duplicated on the plus strand (A on the coding strand, the reverse complement: GFPT1 is on the minus strand). VCF-style (leftmost placement, unchanged base first): chr2-69354283-G-GT. GRCh37 (hg19) VCF-style: chr2-69581415-G-GT.
Other names: c.685+205dup (NM_002056.4); short protein forms R239fs.
Identifiers: ClinVar variation 4768063 (VCV004768063.1).

ClinVar aggregate classification (germline): Pathogenic (1 of 4 stars; one submission).

Conditions:
Congenital myasthenic syndrome 12 (CMS12). Also called: MYASTHENIC SYNDROME, CONGENITAL, WITH TUBULAR AGGREGATES 1; Myasthenia, congenital, 12, with tubular aggregates. Identifiers: Orphanet 353327, Orphanet 590, MedGen C3552335, MONDO:0012518, OMIM 610542.

Submission:

Labcorp Genetics (formerly Invitae), Labcorp
Classification: Pathogenic for Congenital myasthenic syndrome 12. Last evaluated: 2026-01-14. Review status: criteria provided, single submitter. Criteria: Invitae Variant Classification Sherloc (09022015). Collection method: clinical testing. Allele origin: germline.
Comment: This sequence change creates a premature translational stop signal (p.Arg239Thrfs*42) in the GFPT1 gene. It is expected to result in an absent or disrupted protein product. Loss-of-function variants in GFPT1 are known to be pathogenic (PMID: 23794683). This variant is not present in population databases (gnomAD no frequency). This variant has not been reported in the literature in individuals affected with GFPT1-related conditions. For these reasons, this variant has been classified as Pathogenic.

Literature cited by the submitters: PubMed 23794683.